The following is an entry in ClinVar:

NM_001371986.1(UNC80):c.3761del (p.Gly1254fs)

Genes: UNC80 (unc-80 subunit of NALCN channel complex; plus strand), LOC121725110 (Sharpr-MPRA regulatory region 8902; plus strand). Cytogenetic location: 2q34.
Variant type: Deletion.
Coding change: c.3761del on transcript NM_001371986.1 (MANE Select); coding-DNA position 3761, one base deleted (G; older notation c.3761delG).
Protein change: p.Gly1254fs; shifts the reading frame from glycine 1254.
Molecular consequence: frameshift variant.
Genome position (GRCh38, 1-based): chr2:209,872,891, G deleted; the last of 4 consecutive G bases (chr2:209,872,888-209,872,891); deleting any one gives the same sequence. VCF-style (leftmost placement, unchanged base first): chr2-209872887-CG-C. GRCh37 (hg19) VCF-style: chr2-210737611-CG-C.
Other names: c.3767del, p.Gly1256fs (NM_032504.2); c.3752del, p.Gly1251fs (NM_182587.4); short protein forms G1254fs, G1251fs, G1256fs.
Identifiers: ClinVar variation 1378913 (VCV001378913.6), dbSNP rs2124882927, ClinGen allele CA2573135244.

ClinVar aggregate classification (germline): Pathogenic (1 of 4 stars; one submission).

Submission:

Labcorp Genetics (formerly Invitae), Labcorp
Classification: Pathogenic. Last evaluated: 2022-07-05. Review status: criteria provided, single submitter. Criteria: Invitae Variant Classification Sherloc (09022015). Collection method: clinical testing. Allele origin: germline.
Comment: For these reasons, this variant has been classified as Pathogenic. This variant is not present in population databases (gnomAD no frequency). This sequence change creates a premature translational stop signal (p.Gly1256Aspfs*33) in the UNC80 gene. It is expected to result in an absent or disrupted protein product. Loss-of-function variants in UNC80 are known to be pathogenic (PMID: 26545877, 26708751, 26708753). This variant has not been reported in the literature in individuals affected with UNC80-related conditions. ClinVar contains an entry for this variant (Variation ID: 1378913).

Literature cited by the submitters: PubMed 26545877; PubMed 26708751; PubMed 26708753.